The following is an entry in ClinVar:

NM_015338.6(ASXL1):c.4175C>G (p.Pro1392Arg)

Gene: ASXL1 (ASXL transcriptional regulator 1; plus strand). Cytogenetic location: 20q11.21.
Variant type: single nucleotide variant.
Coding change: c.4175C>G on transcript NM_015338.6 (MANE Select); coding-DNA position 4175, C replaced by G.
Protein change: p.Pro1392Arg; replaces proline 1392 with arginine.
Molecular consequence: missense variant.
Genome position (GRCh38, 1-based): chr20:32,436,887, C>G. VCF-style: chr20-32436887-C-G. GRCh37 (hg19) VCF-style: chr20-31024690-C-G.
Other names: c.3992C>G, p.Pro1331Arg (NM_001363734.1); short protein forms P1331R, P1392R.
Identifiers: ClinVar variation 4864650 (VCV004864650.1).

ClinVar aggregate classification (germline): Uncertain significance (1 of 4 stars; one submission).

Conditions:
Inborn genetic diseases. Identifiers: MedGen C0950123, MeSH D030342.

Submission:

Ambry Genetics
Classification: Uncertain significance for Inborn genetic diseases. Last evaluated: 2026-05-17. Review status: criteria provided, single submitter. Criteria: Ambry Variant Classification Scheme 2023. Collection method: clinical testing. Allele origin: germline.
Comment: The p.P1392R variant (also known as c.4175C>G), located in coding exon 13 of the ASXL1 gene, results from a C to G substitution at nucleotide position 4175. The proline at codon 1392 is replaced by arginine, an amino acid with dissimilar properties. This amino acid position is conserved. In addition, this alteration is predicted to be tolerated by in silico analysis. Based on the available evidence, the clinical significance of this variant remains unclear.